The following is an entry in ClinVar:

NM_000540.3(RYR1):c.7819C>T (p.Leu2607Phe)

Gene: RYR1 (ryanodine receptor 1; plus strand). Cytogenetic location: 19q13.2.
Variant type: single nucleotide variant.
Coding change: c.7819C>T on transcript NM_000540.3 (MANE Select); coding-DNA position 7819, C replaced by T.
Protein change: p.Leu2607Phe; replaces leucine 2607 with phenylalanine.
Molecular consequence: missense variant.
Genome position (GRCh38, 1-based): chr19:38,502,711, C>T. VCF-style: chr19-38502711-C-T. GRCh37 (hg19) VCF-style: chr19-38993351-C-T.
Other names: c.7819C>T, p.Leu2607Phe (NM_001042723.2); short protein forms L2607F.
Identifiers: ClinVar variation 2064676 (VCV002064676.18), dbSNP rs199802423, ClinGen allele CA070343.

ClinVar aggregate classification (germline): Uncertain significance. Review status: criteria provided, multiple submitters, no conflicts (2 of 4 stars). 6 submissions from 6 submitters: Uncertain significance (6). Last evaluated 2025-02-01.

Conditions:
RYR1-related disorder. Also called: RYR1-related disorders; RYR1-related condition. Identifiers: MedGen CN239331.
Malignant hyperthermia, susceptibility to, 1 (MHS1). Also called: Anesthesia related hyperthermia; Malignant hyperpyrexia; Fulminating hyperpyrexia; Pharmacogenic myopathy; RYR1-Related Malignant Hyperthermia Susceptibility; Malignant hyperthermia suceptibility 1. Identifiers: Orphanet 423, MedGen C2930980, MONDO:0007783, OMIM 145600.
Inborn genetic diseases. Identifiers: MedGen C0950123, MeSH D030342.

Allele frequency attached by ClinVar (database versions not stated): gnomAD 0.00004; ExAC 0.00005; 1000 Genomes Project 30x 0.00016; 1000 Genomes Project 0.00020.
gnomAD v4.1: 57 of 1,556,002 alleles (0.0037%); highest among the groups gnomAD compares: East Asian, 0.039%; no homozygotes.

Submissions (6):

CeGaT Center for Human Genetics Tuebingen
Classification: Uncertain significance. Last evaluated: 2025-02-01. Review status: criteria provided, single submitter. Criteria: CeGaT Center For Human Genetics Tuebingen Variant Classification Criteria Version 2. Collection method: clinical testing. Allele origin: germline. Affected: yes. Observed: 1 variant allele.

GeneDx
Classification: Uncertain significance. Last evaluated: 2024-10-09. Review status: criteria provided, single submitter. Criteria: GeneDx Variant Classification Process June 2021. Collection method: clinical testing. Allele origin: germline. Affected: yes.
Comment: In silico analysis supports that this missense variant has a deleterious effect on protein structure/function; Has not been previously published as pathogenic or benign to our knowledge

All of Us Research Program, National Institutes of Health
Classification: Uncertain significance for Malignant hyperthermia, susceptibility to, 1. Last evaluated: 2024-04-16. Review status: criteria provided, single submitter. Criteria: ACMG Guidelines, 2015. Collection method: clinical testing. Allele origin: germline. Inheritance: Autosomal dominant inheritance. Observed: 7 variant alleles, 7 heterozygotes.
Comment: This missense variant replaces leucine with phenylalanine at codon 2607 of the RYR1 protein. Computational prediction suggests that this variant may have deleterious impact on protein structure and function (internally defined REVEL score threshold >= 0.7, PMID: 27666373). To our knowledge, functional studies have not been reported for this variant. This variant has not been reported in individuals affected with RYR1-related disorders in the literature. This variant has been identified in 12/244912 chromosomes in the general population by the Genome Aggregation Database (gnomAD). The available evidence is insufficient to determine the role of this variant in disease conclusively. Therefore, this variant is classified as a Variant of Uncertain Significance.

This study involves interpretation of variants in research participants for the purpose of population health screening. Participant phenotype was not available at the time of variant classification. Additional details can be found in publication PMID: 35346344, PMCID: PMC8962531

Color Diagnostics, LLC DBA Color Health
Classification: Uncertain significance for Malignant hyperthermia, susceptibility to, 1. Last evaluated: 2023-12-06. Review status: criteria provided, single submitter. Criteria: ACMG Guidelines, 2015. Collection method: clinical testing. Allele origin: germline.
Comment: This missense variant replaces leucine with phenylalanine at codon 2607 of the RYR1 protein. Computational prediction suggests that this variant may have deleterious impact on protein structure and function. To our knowledge, functional studies have not been reported for this variant. This variant has not been reported in individuals affected with RYR1-related disorders in the literature. This variant has been identified in 12/244912 chromosomes in the general population by the Genome Aggregation Database (gnomAD). The available evidence is insufficient to determine the role of this variant in disease conclusively. Therefore, this variant is classified as a Variant of Uncertain Significance.

Ambry Genetics
Classification: Uncertain significance for Inborn genetic diseases. Last evaluated: 2022-11-18. Review status: criteria provided, single submitter. Criteria: Ambry Variant Classification Scheme 2023. Collection method: clinical testing. Allele origin: germline.

Labcorp Genetics (formerly Invitae), Labcorp
Classification: Uncertain significance for RYR1-related disorder. Last evaluated: 2022-08-09. Review status: criteria provided, single submitter. Criteria: Invitae Variant Classification Sherloc (09022015). Collection method: clinical testing. Allele origin: germline.
Comment: This sequence change replaces leucine, which is neutral and non-polar, with phenylalanine, which is neutral and non-polar, at codon 2607 of the RYR1 protein (p.Leu2607Phe). This variant is present in population databases (rs199802423, gnomAD 0.02%). This variant has not been reported in the literature in individuals affected with RYR1-related conditions. Advanced modeling of protein sequence and biophysical properties (such as structural, functional, and spatial information, amino acid conservation, physicochemical variation, residue mobility, and thermodynamic stability) performed at Invitae indicates that this missense variant is expected to disrupt RYR1 protein function. In summary, the available evidence is currently insufficient to determine the role of this variant in disease. Therefore, it has been classified as a Variant of Uncertain Significance.